The following is an entry in ClinVar:

ClinVar aggregate classification (germline): Uncertain significance. Review status: reviewed by expert panel (3 of 4 stars). 5 submissions from 5 submitters: Uncertain significance (1). 4 of the submissions do not count toward it. Last evaluated 2025-03-18.

Conditions:
Inborn genetic diseases. Identifiers: MedGen C0950123, MeSH D030342.
Creatine transporter deficiency (CCDS1). Also called: Mental retardation , X-linked with seizures, short stature and midface hypoplasia; Mental retardation , X-linked, with creatine transport deficiency; X-linked creatine transporter deficiency; X-linked creatine deficiency syndrome; CEREBRAL CREATINE DEFICIENCY SYNDROME 1; Creatine Transporter (CRTR) Deficiency. Identifiers: Orphanet 52503, MedGen C1845862, MONDO:0010305, OMIM 300352.
Creatine deficiency syndrome 1.

gnomAD v4.1: 4 of 1,194,648 alleles (0.00033%); highest among the groups gnomAD compares: East Asian, 0.0061%; no homozygotes.

Submissions (5):

ClinGen Cerebral Creatine Deficiency Syndromes Variant Curation Expert Panel, ClinGen
Classification: Uncertain significance for Creatine transporter deficiency. Last evaluated: 2025-03-18. Review status: reviewed by expert panel. Criteria: ClinGen_CCDS_ACMG_Specifications_SLC6A8_v1.1. Collection method: curation. Allele origin: germline. Inheritance: X-linked inheritance.
Comment: The NM_005629.4:c.1861C>A variant in SLC6A8 is a missense variant predicted to cause the substitution of a proline by a threonine at amino acid position 621 (p.Pro621Thr). To our knowledge, this variant has not been reported in the literature and no functional studies are available. In gnomAD v4.1.0., the highest population minor allele frequency is 0.00006063 (2/32985 alleles, 0 hemizygotes) in the East Asian population, which is greater than the ClinGen CCDS VCEP’s threshold for PM2_Supporting (<0.00002) but less than the ClinGen CCDS VCEP’s threshold for BS1 (>0.0002), such that neither of these criteria are met. The computational predictor REVEL gives a score of 0.337, which is less than the ClinGen CCDS VCEP’s threshold for PP3 (>0.75) but greater than the ClinGen CCDS VCEP’s threshold for BP4 (<0.2), such that neither of these criteria are met. SpliceAI predicts no impact on splicing. There is a ClinVar entry for this variant (Variation ID: 373452). In summary, this variant meets criteria to be classified as a variant of uncertain significance for creatine transporter deficiency. SLC6A8-specific criteria applied, as specified by the ClinGen CCDS VCEP (Specifications Version 1.1.0): no criteria met. (Classification approved by the ClinGen Cerebral Creatine Deficiencies Variant Curation Expert Panel on March 18, 2025)

Ambry Genetics
Classification: Likely benign for Inborn genetic diseases. Last evaluated: 2024-01-17. Review status: criteria provided, single submitter. Criteria: Ambry Variant Classification Scheme 2023. Collection method: clinical testing. Allele origin: germline. Not counted in ClinVar's aggregate classification.

Blueprint Genetics
Classification: Uncertain significance. Last evaluated: 2022-07-01. Review status: criteria provided, single submitter. Criteria: ACMG Guidelines, 2015. Collection method: clinical testing. Allele origin: germline. Not counted in ClinVar's aggregate classification.

GeneDx
Classification: Uncertain significance. Last evaluated: 2016-11-30. Review status: criteria provided, single submitter. Criteria: GeneDx Variant Classification (06012015). Collection method: clinical testing. Allele origin: germline. Affected: yes. Not counted in ClinVar's aggregate classification.
Comment: A variant of uncertain significance has been identified in the SLC6A8 gene. The P621T variant has not been published as a pathogenic variant, nor has it been reported as a benign variant to our knowledge. It was not observed in approximately 6,500 individuals of European and African American ancestry in the NHLBI Exome Sequencing Project, indicating it is not a common benign variant in these populations. The P621T variant is a non-conservative amino acid substitution, which is likely to impact secondary protein structure as these residues differ in polarity, charge, size and/or other properties. This substitution occurs at a position that is conserved in mammals. In silico analysis is inconsistent in its predictions as to whether or not the variant is damaging to the protein structure/function. Based on the currently available information, it is unclear whether this variant is a pathogenic variant or a rare benign variant.

Natera, Inc.
Classification: Uncertain significance for Creatine deficiency syndrome 1. Last evaluated: 2019-11-11. Review status: no assertion criteria provided. Collection method: clinical testing. Allele origin: germline. Not counted in ClinVar's aggregate classification.

NM_005629.4(SLC6A8):c.1861C>A (p.Pro621Thr)

Gene: SLC6A8 (solute carrier family 6 member 8; plus strand). Cytogenetic location: Xq28.
Variant type: single nucleotide variant.
Coding change: c.1861C>A on transcript NM_005629.4 (MANE Select); coding-DNA position 1861, C replaced by A.
Protein change: p.Pro621Thr; replaces proline 621 with threonine.
Molecular consequence: missense variant.
Genome position (GRCh38, 1-based): chrX:153,695,167, C>A. VCF-style: chrX-153695167-C-A. GRCh37 (hg19) VCF-style: chrX-152960622-C-A.
Other names: NM_005629.4(SLC6A8):c.1861C>A; p.Pro621Thr; c.1831C>A, p.Pro611Thr (NM_001142805.2); c.1516C>A, p.Pro506Thr (NM_001142806.1); short protein forms P621T, P506T, P611T.
Identifiers: ClinVar variation 373452 (VCV000373452.5), dbSNP rs782388832, ClinGen allele CA10549672.
Genomic context (GRCh38, chrX:153,695,167, plus strand): 5'-CTCCACCACTTGGAGTACCGAGCTCAGGACGCAGATGTCAGGGGCCTGACCACCCTGACC[C>A]CAGTGTCCGAGAGCAGCAAGGTCGTCGTGGTGGAGAGTGTCATGTGACAACTCAGCTCAC-3'
Protein context (NP_005620.1, residues 611-631): ADVRGLTTLT[Pro621Thr]VSESSKVVVV